The following is an entry in ClinVar:

ClinVar aggregate classification (germline): Uncertain significance (1 of 4 stars; one submission).

Conditions:
RASopathy. Also called: rasopathies; Noonan spectrum disorder. Identifiers: Orphanet 536391, MedGen C5555857, MONDO:0021060.

Submission:

Labcorp Genetics (formerly Invitae), Labcorp
Classification: Uncertain significance for RASopathy. Last evaluated: 2024-03-16. Review status: criteria provided, single submitter. Criteria: Invitae Variant Classification Sherloc (09022015). Collection method: clinical testing. Allele origin: germline.
Comment: This sequence change replaces tryptophan, which is neutral and slightly polar, with cysteine, which is neutral and slightly polar, at codon 408 of the CBL protein (p.Trp408Cys). This variant is not present in population databases (gnomAD no frequency). This variant has not been reported in the literature in individuals affected with CBL-related conditions. Advanced modeling of protein sequence and biophysical properties (such as structural, functional, and spatial information, amino acid conservation, physicochemical variation, residue mobility, and thermodynamic stability) performed at Invitae indicates that this missense variant is expected to disrupt CBL protein function with a positive predictive value of 95%. In summary, the available evidence is currently insufficient to determine the role of this variant in disease. Therefore, it has been classified as a Variant of Uncertain Significance.

NM_005188.4(CBL):c.1224G>T (p.Trp408Cys)

Gene: CBL (Cbl proto-oncogene; plus strand). Cytogenetic location: 11q23.3.
Variant type: single nucleotide variant.
Coding change: c.1224G>T on transcript NM_005188.4 (MANE Select); coding-DNA position 1224, G replaced by T.
Protein change: p.Trp408Cys; replaces tryptophan 408 with cysteine.
Molecular consequence: missense variant.
Genome position (GRCh38, 1-based): chr11:119,278,294, G>T. VCF-style: chr11-119278294-G-T. GRCh37 (hg19) VCF-style: chr11-119149004-G-T.
Other names: short protein forms W408C.
Identifiers: ClinVar variation 3705968 (VCV003705968.2).